The following is an entry in ClinVar:

NM_007294.4(BRCA1):c.4723C>A (p.Pro1575Thr)

Gene: BRCA1 (BRCA1 DNA repair associated; minus strand). Cytogenetic location: 17q21.31.
Variant type: single nucleotide variant.
Coding change: c.4723C>A on transcript NM_007294.4 (MANE Select); coding-DNA position 4723, C replaced by A.
Protein change: p.Pro1575Thr; replaces proline 1575 with threonine.
Molecular consequence: missense variant. On other transcripts: non-coding transcript variant (1).
Genome position (GRCh38, 1-based): chr17:43,071,191, G>T on the plus strand (C>A on the coding strand, the complement: BRCA1 is on the minus strand). VCF-style: chr17-43071191-G-T. GRCh37 (hg19) VCF-style: chr17-41223208-G-T.
Other names: c.4510C>A, p.Pro1504Thr (NM_001407894.1, NM_001407895.1, NM_001407896.1 and 12 more transcripts); c.4507C>A, p.Pro1503Thr (NM_001407915.1, NM_001407916.1, NM_001407917.1 and 1 more transcripts); c.4600C>A, p.Pro1534Thr (NM_001407919.1, NM_001407937.1, NM_001407938.1 and 6 more transcripts); c.4459C>A, p.Pro1487Thr (NM_001407920.1, NM_001407921.1, NM_001407922.1 and 4 more transcripts); c.4456C>A, p.Pro1486Thr (NM_001407927.1, NM_001407928.1, NM_001407929.1 and 4 more transcripts); c.4453C>A, p.Pro1485Thr (NM_001407934.1, NM_001407935.1, NM_001407936.1); c.4597C>A, p.Pro1533Thr (NM_001407939.1, NM_001407940.1, NM_001407670.1 and 11 more transcripts); c.4594C>A, p.Pro1532Thr (NM_001407941.1, NM_001407681.1, NM_001407682.1 and 6 more transcripts); and 70 more; short protein forms P1528T, P1575T, P1596T, P471T, P1447T, P1462T, P1463T, P1486T.
Identifiers: ClinVar variation 1488496 (VCV001488496.9), dbSNP rs755370895, ClinGen allele CA10592061.

ClinVar aggregate classification (germline): Uncertain significance (1 of 4 stars; one submission).

Conditions:
Hereditary breast ovarian cancer syndrome. Also called: Hereditary breast and/or ovarian cancer syndrome; Hereditary breast and ovarian cancer syndrome (HBOC); Breast and ovarian cancer; Hereditary breast and ovarian cancer; Hereditary breast and ovarian cancer syndrome; BRCA1- and BRCA2-Associated Hereditary Breast and Ovarian Cancer. Identifiers: Orphanet 145, MedGen C0677776, MeSH D061325, MONDO:0003582. Disease mechanism: loss of function.

Submission:

Labcorp Genetics (formerly Invitae), Labcorp
Classification: Uncertain significance for Hereditary breast ovarian cancer syndrome. Last evaluated: 2021-01-18. Review status: criteria provided, single submitter. Criteria: Invitae Variant Classification Sherloc (09022015). Collection method: clinical testing. Allele origin: germline.
Comment: Advanced modeling of protein sequence and biophysical properties (such as structural, functional, and spatial information, amino acid conservation, physicochemical variation, residue mobility, and thermodynamic stability) performed at Invitae indicates that this missense variant is not expected to disrupt BRCA1 protein function. In summary, the available evidence is currently insufficient to determine the role of this variant in disease. Therefore, it has been classified as a Variant of Uncertain Significance. This variant has not been reported in the literature in individuals with BRCA1-related conditions. This variant is not present in population databases (ExAC no frequency). This sequence change replaces proline with threonine at codon 1575 of the BRCA1 protein (p.Pro1575Thr). The proline residue is moderately conserved and there is a small physicochemical difference between proline and threonine.